The following is an entry in ClinVar:

ClinVar aggregate classification (germline): Uncertain significance (1 of 4 stars; one submission).

Submission:

GeneDx
Classification: Uncertain significance. Last evaluated: 2021-05-13. Review status: criteria provided, single submitter. Criteria: GeneDx Variant Classification Process June 2021. Collection method: clinical testing. Allele origin: germline. Affected: yes.
Comment: Not observed in large population cohorts (Lek et al., 2016); In-frame deletion of 1 amino acid in a non-repeat region.; In silico analysis, which includes protein predictors and evolutionary conservation, supports a deleterious effect; Has not been previously published as pathogenic or benign to our knowledge

NM_001110556.2(FLNA):c.133CAG[1] (p.Gln46del)

Gene: FLNA (filamin A; minus strand). Cytogenetic location: Xq28.
Variant type: Microsatellite.
Coding change: c.133CAG[1] on transcript NM_001110556.2 (MANE Select); one copy of the 3-base unit CAG starting at c.133; the reference has two copies in a row; one copy, 3 bases deleted.
Protein change: p.Gln46del; deletes glutamine 46.
Molecular consequence: inframe deletion.
Genome position (GRCh38, 1-based): chrX:154,371,108-154,371,110, CTG deleted on the plus strand (CAG on the coding strand, the reverse complement: FLNA is on the minus strand); deleting any 3 consecutive bases within chrX:154,371,108-154,371,113 gives the same sequence; the position shown is the placement nearest the transcript's 3' end. VCF-style (leftmost placement, unchanged base first): chrX-154371107-TCTG-T. GRCh37 (hg19) VCF-style: chrX-153599475-TCTG-T.
Other names: c.133CAG[1], p.Gln46del (NM_001456.4); short protein forms Q46del.
Identifiers: ClinVar variation 1183008 (VCV001183008.2), dbSNP rs2148122027, ClinGen allele CA2580612526.